The following is an entry in ClinVar:

NM_021098.3(CACNA1H):c.5468G>A (p.Arg1823His)

Gene: CACNA1H (calcium voltage-gated channel subunit alpha1 H; plus strand). Cytogenetic location: 16p13.3.
Variant type: single nucleotide variant.
Coding change: c.5468G>A on transcript NM_021098.3 (MANE Select); coding-DNA position 5468, G replaced by A.
Protein change: p.Arg1823His; replaces arginine 1823 with histidine.
Molecular consequence: missense variant.
Genome position (GRCh38, 1-based): chr16:1,218,232, G>A. VCF-style: chr16-1218232-G-A. GRCh37 (hg19) VCF-style: chr16-1268232-G-A.
Other names: c.5450G>A, p.Arg1817His (NM_001005407.2); short protein forms R1817H, R1823H.
Identifiers: ClinVar variation 950104 (VCV000950104.10), dbSNP rs370384766, ClinGen allele CA7802047.
Genomic context (GRCh38, chr16:1,218,232, plus strand): 5'-GGGTGTGGACCCCGGCCCACAGCTGTCCCCCACCGCAGGACACGCTGCGCGAGTGCTCCC[G>A]TGAGGACAAGCACTGCCTGAGCTACCTGCCGGCCCTGTCGCCCGTCTACTTCGTGACCTT-3'
Protein context (NP_066921.2, residues 1813-1833): IMKDTLRECS[Arg1823His]EDKHCLSYLP

ClinVar aggregate classification (germline): Conflicting classifications of pathogenicity. Review status: criteria provided, conflicting classifications (1 of 4 stars). 4 submissions from 4 submitters: Uncertain significance (3); Likely benign (1). Last evaluated 2025-11-06.

Conditions:
Inborn genetic diseases. Identifiers: MedGen C0950123, MeSH D030342.
Idiopathic generalized epilepsy. Also called: Generalised epilepsy; EIG. Identifiers: MedGen C0270850, MONDO:0005579, OMIM 600669.
Hyperaldosteronism, familial, type IV (HALD4). Also called: FH IV; ALDOSTERONISM, PRIMARY, AND HYPERTENSION. Identifiers: Orphanet 642671, MedGen C4310756, MONDO:0014875, OMIM 617027.
Epilepsy, childhood absence, susceptibility to, 6. Identifiers: Orphanet 64280, MedGen C2749872, MONDO:0012763, OMIM 611942.

Allele frequency attached by ClinVar (database versions not stated): ExAC 0.00005; gnomAD exomes 0.00010 and 0.00034; gnomAD 0.00015 and 0.00016; ESP Exome Variant Server 0.00017; TOPMed 0.00017.
gnomAD v4.1: 479 of 1,550,024 alleles (0.031%); highest among the groups gnomAD compares: Non-Finnish European, 0.04%; 1 homozygote.

Submissions (4):

Labcorp Genetics (formerly Invitae), Labcorp
Classification: Uncertain significance for Idiopathic generalized epilepsy; Hyperaldosteronism, familial, type IV. Last evaluated: 2025-11-06. Review status: criteria provided, single submitter. Criteria: Invitae Variant Classification Sherloc (09022015). Collection method: clinical testing. Allele origin: germline.
Comment: This sequence change replaces arginine, which is basic and polar, with histidine, which is basic and polar, at codon 1823 of the CACNA1H protein (p.Arg1823His). This variant is present in population databases (rs370384766, gnomAD 0.02%). This variant has not been reported in the literature in individuals affected with CACNA1H-related conditions. ClinVar contains an entry for this variant (Variation ID: 950104). Invitae Evidence Modeling of protein sequence and biophysical properties (such as structural, functional, and spatial information, amino acid conservation, physicochemical variation, residue mobility, and thermodynamic stability) indicates that this missense variant is not expected to disrupt CACNA1H protein function with a negative predictive value of 80%. In summary, the available evidence is currently insufficient to determine the role of this variant in disease. Therefore, it has been classified as a Variant of Uncertain Significance.

Blueprint Genetics
Classification: Likely benign. Last evaluated: 2024-10-04. Review status: criteria provided, single submitter. Criteria: ACMG Guidelines, 2015. Collection method: clinical testing. Allele origin: germline.

Ambry Genetics
Classification: Uncertain significance for Inborn genetic diseases. Last evaluated: 2023-05-16. Review status: criteria provided, single submitter. Criteria: Ambry Variant Classification Scheme 2023. Collection method: clinical testing. Allele origin: germline.

Fulgent Genetics
Classification: Uncertain significance for Epilepsy, childhood absence, susceptibility to, 6; Hyperaldosteronism, familial, type IV. Last evaluated: 2022-03-29. Review status: criteria provided, single submitter. Criteria: ACMG Guidelines, 2015. Collection method: clinical testing. Allele origin: unknown.